The following is an entry in ClinVar:

ClinVar aggregate classification (germline): Uncertain significance. Review status: criteria provided, multiple submitters, no conflicts (2 of 4 stars). 4 submissions from 4 submitters: Uncertain significance (4). Last evaluated 2026-05-13.

Conditions:
Polycystic kidney disease 8. Identifiers: MedGen C5935640, MONDO:0971178, OMIM 620903.
Renal-hepatic-pancreatic dysplasia 2 (RHPD2). Identifiers: MedGen C3809434, MONDO:0014174, OMIM 615415.
Nephronophthisis 9 (NPHP9). Identifiers: Orphanet 655, MedGen C3151188, MONDO:0013444, OMIM 613824.
NEK8-related disorder. Also called: NEK8-related condition.
Familial cystic renal disease. Identifiers: Orphanet 93587, MedGen C5680285, MONDO:0019741.

Allele frequency attached by ClinVar (database versions not stated): gnomAD 0.00001 and 0.00003; ExAC 0.00002; TOPMed 0.00002; gnomAD exomes 0.00003.
gnomAD v4.1: 44 of 1,614,020 alleles (0.0027%); highest among the groups gnomAD compares: Middle Eastern, 0.016%; no homozygotes.

Submissions (4):

PreventionGenetics, part of Exact Sciences
Classification: Uncertain significance for NEK8-related condition. Last evaluated: 2026-05-13. Review status: criteria provided, single submitter. Criteria: ACMG Guidelines, 2015. Collection method: clinical testing. Allele origin: germline.
Comment: The NEK8 c.1166C>T variant is predicted to result in the amino acid substitution p.Ser389Leu. To our knowledge, this variant has not been reported in the literature. This variant is reported in 0.0080% of alleles in individuals of African descent in gnomAD. At this time, the clinical significance of this variant is uncertain due to the absence of conclusive functional and genetic evidence.

Victorian Clinical Genetics Services, Murdoch Childrens Research Institute
Classification: Uncertain significance for Familial cystic renal disease. Last evaluated: 2024-10-08. Review status: criteria provided, single submitter. Criteria: ACMG Guidelines, 2015. Collection method: clinical testing. Allele origin: germline. Affected: yes.
Comment: Based on the classification scheme VCGS_Germline_v1.3.4, this variant is classified as VUS-3B. Following criteria are met: 0102 - Loss of function is a known mechanism of disease in this gene and is associated with renal-hepatic-pancreatic dysplasia 2 (MIM#615415) and nephronophthisis 9 (MIM#613824). Gain of function is also a suggested mechanism of disease for these disorders. Dominant negative is a suggested mechanism of familial cystic renal disease (MONDO:0019741), NEK8-related. (I) 0108 - This gene is associated with both recessive and dominant disease. All variant types have been reported in recessive disease, but the emerging dominant association has only been reported in individuals with missense variants (PMID: 26967905, 37598857). (I) 0200 - Variant is predicted to result in a missense amino acid change from serine to leucine. (I) 0251 - This variant is heterozygous. (I) 0304 - Variant is present in gnomAD (v2) <0.01 (8 heterozygotes, 0 homozygotes). (SP) 0501 - Missense variant consistently predicted to be damaging by multiple in silico tools or highly conserved with a major amino acid change. (SP) 0604 - Variant is not located in an established domain, motif, hotspot or informative constraint region. (I) 0705 - No comparable missense variants have previous evidence for pathogenicity. (I) 0809 - Previous evidence of pathogenicity for this variant is inconclusive. This variant has been classified as a VUS by clinical laboratories in ClinVar. (I) 0905 - No published segregation evidence has been identified for this variant. (I) 1007 - No published functional evidence has been identified for this variant. (I) 1208 - Inheritance information for this variant is not currently available in this individual. (I) Legend: (SP) - Supporting pathogenic, (I) - Information, (SB) - Supporting benign

Labcorp Genetics (formerly Invitae), Labcorp
Classification: Uncertain significance for Nephronophthisis 9. Last evaluated: 2024-08-11. Review status: criteria provided, single submitter. Criteria: Invitae Variant Classification Sherloc (09022015). Collection method: clinical testing. Allele origin: germline.
Comment: This sequence change replaces serine, which is neutral and polar, with leucine, which is neutral and non-polar, at codon 389 of the NEK8 protein (p.Ser389Leu). This variant is present in population databases (rs199853008, gnomAD 0.005%). This variant has not been reported in the literature in individuals affected with NEK8-related conditions. ClinVar contains an entry for this variant (Variation ID: 971691). An algorithm developed to predict the effect of missense changes on protein structure and function (PolyPhen-2) suggests that this variant is likely to be disruptive. In summary, the available evidence is currently insufficient to determine the role of this variant in disease. Therefore, it has been classified as a Variant of Uncertain Significance.

Fulgent Genetics
Classification: Uncertain significance for Nephronophthisis 9; Renal-hepatic-pancreatic dysplasia 2; Polycystic kidney disease 8. Last evaluated: 2024-04-08. Review status: criteria provided, single submitter. Criteria: ACMG Guidelines, 2015. Collection method: clinical testing. Allele origin: germline.

Literature cited by the submitters: PubMed 26967905 (cited by Victorian Clinical Genetics Services, Murdoch Childrens Research Institute); PubMed 37598857 (cited by Victorian Clinical Genetics Services, Murdoch Childrens Research Institute).

NM_178170.3(NEK8):c.1166C>T (p.Ser389Leu)

Gene: NEK8 (NIMA related kinase 8; plus strand). Cytogenetic location: 17q11.2.
Variant type: single nucleotide variant.
Coding change: c.1166C>T on transcript NM_178170.3 (MANE Select); coding-DNA position 1166, C replaced by T.
Protein change: p.Ser389Leu; replaces serine 389 with leucine.
Molecular consequence: missense variant.
Genome position (GRCh38, 1-based): chr17:28,738,189, C>T. VCF-style: chr17-28738189-C-T. GRCh37 (hg19) VCF-style: chr17-27065207-C-T.
Other names: short protein forms S389L.
Identifiers: ClinVar variation 971691 (VCV000971691.10), dbSNP rs199853008, ClinGen allele CA8467326.